The following is an entry in ClinVar:

NM_002906.4(RDX):c.1308del (p.Lys438fs)

Gene: RDX (radixin; minus strand). Cytogenetic location: 11q22.3.
Variant type: Deletion.
Coding change: c.1308del on transcript NM_002906.4 (MANE Select); coding-DNA position 1308, one base deleted (G; older notation c.1308delG).
Protein change: p.Lys438fs; shifts the reading frame from lysine 438.
Molecular consequence: frameshift variant. On other transcripts: intron variant (1).
Genome position (GRCh38, 1-based): chr11:110,236,135, C deleted on the plus strand (G on the coding strand, the reverse complement: RDX is on the minus strand). VCF-style (leftmost placement, unchanged base first): chr11-110236134-TC-T. GRCh37 (hg19) VCF-style: chr11-110106859-TC-T.
Other names: c.1308delG (NM_002906.3); c.1308del, p.Lys438fs (NM_001260492.2, NM_001260493.2); c.900del, p.Lys302fs (NM_001260494.2); c.267del, p.Lys91fs (NM_001260495.2); c.405-4131del (NM_001260496.2); short protein forms K438fs, K91fs, K302fs.
Identifiers: ClinVar variation 179207 (VCV000179207.6), dbSNP rs727504709, ClinGen allele CA273599.
Genomic context (GRCh38, chr11:110,236,134, plus strand): 5'-AGCTAGTAAATGAATAAATGATTACTTTGTGTTGCCACTCAGTAGCTTCCTCTTCCTTTT[TC>T]TTCTTGGCTTCCTCTAGAAGTGCAATCTTGGCAGTGAATTCAGCAAGTTCTGCTGCCTAA-3'

ClinVar aggregate classification (germline): Pathogenic. Review status: criteria provided, multiple submitters, no conflicts (2 of 4 stars). 2 submissions from 2 submitters: Pathogenic (2). Last evaluated 2024-09-22.

Conditions:
Rare genetic deafness. Identifiers: Orphanet 96210, MedGen C5680250.
Autosomal recessive nonsyndromic hearing loss 24. Identifiers: Orphanet 90636, MedGen C1970239, MONDO:0012602, OMIM 611022.

Submissions (2):

Genomic Medicine Center of Excellence, King Faisal Specialist Hospital and Research Centre
Classification: Pathogenic for Autosomal recessive nonsyndromic hearing loss 24. Last evaluated: 2024-09-22. Review status: criteria provided, single submitter. Criteria: ACMG Guidelines, 2015. Collection method: clinical testing. Allele origin: germline.

Laboratory for Molecular Medicine, Mass General Brigham Personalized Medicine
Classification: Pathogenic for Rare genetic deafness. Last evaluated: 2013-09-07. Review status: criteria provided, single submitter. Criteria: LMM Criteria. Collection method: clinical testing. Allele origin: germline. Inheritance: Autosomal recessive inheritance. Observed: 3 variant alleles.
Comment: The Lys438fs variant in RDX has not been reported in individuals with hearing lo ss or in large population studies. This frameshift variant is predicted to alter the protein?s amino acid sequence beginning at position 438 and lead to a prema ture termination codon 26 amino acids downstream. This alteration is then predic ted to lead to a truncated or absent protein. Loss of function variants in the RDX gene have been reported in other individuals with hearing loss, suggesting t hat the pathogenic mechanism is due to loss of the RDX gene product (Khan 2007). In summary, this variant meets our criteria to be classified as pathogenic.

Literature cited by the submitters: PubMed 17226784 (cited by Laboratory for Molecular Medicine, Mass General Brigham Personalized Medicine).